The following is an entry in ClinVar:

ClinVar aggregate classification (germline): Uncertain significance (1 of 4 stars; one submission).

Submissions (3):

Women's Health and Genetics/Laboratory Corporation of America, LabCorp
Classification: Uncertain significance. Last evaluated: 2020-01-27. Review status: criteria provided, single submitter. Criteria: LabCorp Variant Classification Summary - May 2015. Collection method: clinical testing. Allele origin: germline.
Comment: Variant summary: GLA c.887T>A (p.Met296Lys) results in a non-conservative amino acid change in the encoded protein sequence. Five of five in-silico tools predict a damaging effect of the variant on protein function. The variant was absent in 183467 control chromosomes (gnomAD). The available data on variant occurrences in the general population are insufficient to allow any conclusion about variant significance. To our knowledge, no occurrence of c.887T>A in individuals affected with Fabry Disease and no experimental evidence demonstrating its impact on protein function have been reported. In the HGMD database and literature, there are several other variants affecting the same codon (c.888G>A p.M296I; c.886A>T p.M296L; c.887T>C p.M296T; c.886A>G p.M296V) and nearby codons suggesting that this area might be a mutational hotspot. No clinical diagnostic laboratories have submitted clinical-significance assessments for this variant to ClinVar after 2014. Based on the evidence outlined above, the variant was classified as uncertain significance.

Dr. Peter K. Rogan Lab, Western University
No classification provided (evidence only). Condition: Thyroid cancer, nonmedullary, 1. Review status: no classification provided. Collection method: in vitro. Allele origin: not applicable. Functional consequence: retained intron. Not counted in ClinVar's aggregate classification.

Dr. Peter K. Rogan Lab, Western University
No classification provided (evidence only). Condition: Thyroid cancer, nonmedullary, 1. Review status: no classification provided. Collection method: in vitro. Allele origin: not applicable. Functional consequence: retained intron. Not counted in ClinVar's aggregate classification.

NM_000169.3(GLA):c.887T>A (p.Met296Lys)

Genes: RPL36A-HNRNPH2 (RPL36A-HNRNPH2 readthrough; plus strand), GLA (galactosidase alpha; minus strand). Cytogenetic location: Xq22.1.
Variant type: single nucleotide variant.
Coding change: c.887T>A on transcript NM_000169.3 (MANE Select); coding-DNA position 887, T replaced by A.
Protein change: p.Met296Lys; replaces methionine 296 with lysine.
Molecular consequence: missense variant. On other transcripts: non-coding transcript variant (3), intron variant (2).
Genome position (GRCh38, 1-based): chrX:101,398,482, A>T on the plus strand (T>A on the coding strand, the complement: GLA is on the minus strand). VCF-style: chrX-101398482-A-T. GRCh37 (hg19) VCF-style: chrX-100653470-A-T.
Other names: NC_000023.10:g.100653470A>T; c.1010T>A, p.Met337Lys (NM_001406747.1); c.887T>A, p.Met296Lys (NM_001406748.1); c.300+3025A>T (NM_001199973.2); c.177+6660A>T (NM_001199974.2); short protein forms M296K, M337K.
Identifiers: ClinVar variation 917589 (VCV000917589.2), dbSNP rs869312442, ClinGen allele CA413922435.